The following is an entry in ClinVar:

ClinVar aggregate classification (germline): Uncertain significance (1 of 4 stars; one submission).

Conditions:
3-methylcrotonyl-CoA carboxylase 2 deficiency. Also called: 3 alpha methylcrotonyl-CoA carboxylase 2 deficiency; 3 alpha methylcrotonylglycinuria 2; MCC 2 deficiency; Methylcrotonylglycinuria type 2; METHYLCROTONYLGLYCINURIA, TYPE II. Identifiers: Orphanet 6, MedGen C1859499, MONDO:0008862, OMIM 210210.

Allele frequency attached by ClinVar (database versions not stated): gnomAD 0.00001; gnomAD exomes 0.00001 and 0.00002; ExAC 0.00002; TOPMed 0.00002; ESP Exome Variant Server 0.00008.
gnomAD v4.1: 7 of 1,610,194 alleles (0.00043%); highest among the groups gnomAD compares: African/African-American, 0.0013%; no homozygotes.

Submission:

Labcorp Genetics (formerly Invitae), Labcorp
Classification: Uncertain significance for 3-methylcrotonyl-CoA carboxylase 2 deficiency. Last evaluated: 2021-08-27. Review status: criteria provided, single submitter. Criteria: Invitae Variant Classification Sherloc (09022015). Collection method: clinical testing. Allele origin: germline.
Comment: This sequence change replaces methionine with threonine at codon 563 of the MCCC2 protein (p.Met563Thr). The methionine residue is highly conserved and there is a moderate physicochemical difference between methionine and threonine. This variant is present in population databases (rs373922744, ExAC 0.01%). This variant has not been reported in the literature in individuals affected with MCCC2-related conditions. Advanced modeling of protein sequence and biophysical properties (such as structural, functional, and spatial information, amino acid conservation, physicochemical variation, residue mobility, and thermodynamic stability) performed at Invitae indicates that this missense variant is expected to disrupt MCCC2 protein function. In summary, the available evidence is currently insufficient to determine the role of this variant in disease. Therefore, it has been classified as a Variant of Uncertain Significance.

NM_022132.5(MCCC2):c.1688T>C (p.Met563Thr)

Gene: MCCC2 (methylcrotonyl-CoA carboxylase subunit 2; plus strand). Cytogenetic location: 5q13.2.
Variant type: single nucleotide variant.
Coding change: c.1688T>C on transcript NM_022132.5 (MANE Select); coding-DNA position 1688, T replaced by C.
Protein change: p.Met563Thr; replaces methionine 563 with threonine.
Molecular consequence: missense variant.
Genome position (GRCh38, 1-based): chr5:71,656,856, T>C. VCF-style: chr5-71656856-T-C. GRCh37 (hg19) VCF-style: chr5-70952683-T-C.
Other names: c.1574T>C, p.Met525Thr (NM_001363147.1); short protein forms M525T, M563T.
Identifiers: ClinVar variation 1430012 (VCV001430012.5), dbSNP rs373922744, ClinGen allele CA3298241.
Genomic context (GRCh38, chr5:71,656,856, plus strand): 5'-TCAGTTTTAGTGCAGCCCTCAACGCACCAATAGAGAAGACTGACTTCGGTATCTTCAGGA[T>C]GTAACTGGAATAAAGGATGTTTTCTGTTGGACATGTACTGAAAATTAACACATGTAGTAG-3'
Protein context (NP_071415.1, residues 553-563): IEKTDFGIFR[Met563Thr]